The following is an entry in ClinVar:

NM_144599.5(NIPA1):c.702G>A (p.Leu234=)

Gene: NIPA1 (NIPA magnesium transporter 1; plus strand). Cytogenetic location: 15q11.2.
Variant type: single nucleotide variant.
Coding change: c.702G>A on transcript NM_144599.5 (MANE Select); coding-DNA position 702, G replaced by A.
Protein change: p.Leu234=; no amino-acid change (leucine 234 retained).
Molecular consequence: synonymous variant.
Genome position (GRCh38, 1-based): chr15:22,823,951, G>A. VCF-style: chr15-22823951-G-A. GRCh37 (hg19) VCF-style: chr15-23049117-C-T.
Other names: c.702G>A (NM_144599.4); c.477G>A, p.Leu159= (NM_001142275.1).
Identifiers: ClinVar variation 3013494 (VCV003013494.4), dbSNP rs891513416, ClinGen allele CA267606359.

ClinVar aggregate classification (germline): Likely benign. Review status: criteria provided, multiple submitters, no conflicts (2 of 4 stars). 2 submissions from 2 submitters: Likely benign (2). Last evaluated 2025-03-25.

Conditions:
Hereditary spastic paraplegia 6 (SPG6). Also called: SPASTIC PARAPLEGIA 6, AUTOSOMAL DOMINANT. Identifiers: Orphanet 100988, MedGen C1838192, MONDO:0010878, OMIM 600363.
NIPA1-related disorder. Also called: NIPA1-related condition.

Allele frequency attached by ClinVar (database versions not stated): TOPMed 0.00002; gnomAD 0.00003.
gnomAD v4.1: 18 of 1,614,064 alleles (0.0011%); highest among the groups gnomAD compares: Admixed American, 0.0017%; no homozygotes.

Submissions (2):

PreventionGenetics, part of Exact Sciences
Classification: Likely benign for NIPA1-related condition. Last evaluated: 2025-03-25. Review status: criteria provided, single submitter. Criteria: ACMG Guidelines, 2015. Collection method: clinical testing. Allele origin: germline.
Comment: This variant is classified as likely benign based on ACMG/AMP sequence variant interpretation guidelines (Richards et al. 2015 PMID: 25741868, with internal and published modifications).

Labcorp Genetics (formerly Invitae), Labcorp
Classification: Likely benign for Hereditary spastic paraplegia 6. Last evaluated: 2023-11-08. Review status: criteria provided, single submitter. Criteria: Invitae Variant Classification Sherloc (09022015). Collection method: clinical testing. Allele origin: germline.